The following is an entry in ClinVar:

NM_020774.4(MIB1):c.1693A>T (p.Thr565Ser)

Gene: MIB1 (MIB E3 ubiquitin protein ligase 1; plus strand). Cytogenetic location: 18q11.2.
Variant type: single nucleotide variant.
Coding change: c.1693A>T on transcript NM_020774.4 (MANE Select); coding-DNA position 1693, A replaced by T.
Protein change: p.Thr565Ser; replaces threonine 565 with serine.
Molecular consequence: missense variant.
Genome position (GRCh38, 1-based): chr18:21,819,510, A>T. VCF-style: chr18-21819510-A-T. GRCh37 (hg19) VCF-style: chr18-19399471-A-T.
Other names: short protein forms T565S.
Identifiers: ClinVar variation 3895887 (VCV003895887.1).

ClinVar aggregate classification (germline): Uncertain significance (1 of 4 stars; one submission).

gnomAD v4.1: 1 of 1,599,772 alleles (0.000063%); highest among the groups gnomAD compares: African/African-American, 0.0013%; no homozygotes.

Submission:

Women's Health and Genetics/Laboratory Corporation of America, LabCorp
Classification: Uncertain significance. Last evaluated: 2025-03-28. Review status: criteria provided, single submitter. Criteria: LabCorp Variant Classification Summary - May 2015. Collection method: clinical testing. Allele origin: germline.
Comment: Variant summary: MIB1 c.1693A>T (p.Thr565Ser) results in a conservative amino acid change in the encoded protein sequence. Three of five in-silico tools predict a damaging effect of the variant on protein function. The variant was absent in 245580 control chromosomes. The available data on variant occurrences in the general population are insufficient to allow any conclusion about variant significance. To our knowledge, no occurrence of c.1693A>T in individuals affected with Left Ventricular Noncompaction 7 and no experimental evidence demonstrating its impact on protein function have been reported. No submitters have cited clinical-significance assessments for this variant to ClinVar. Based on the evidence outlined above, the variant was classified as uncertain significance.